The following is an entry in ClinVar:

NM_001244710.2(GFPT1):c.398A>G (p.Lys133Arg)

Gene: GFPT1 (glutamine--fructose-6-phosphate transaminase 1; minus strand). Cytogenetic location: 2p13.3.
Variant type: single nucleotide variant.
Coding change: c.398A>G on transcript NM_001244710.2 (MANE Select); coding-DNA position 398, A replaced by G.
Protein change: p.Lys133Arg; replaces lysine 133 with arginine.
Molecular consequence: missense variant.
Genome position (GRCh38, 1-based): chr2:69,359,278, T>C on the plus strand (A>G on the coding strand, the complement: GFPT1 is on the minus strand). VCF-style: chr2-69359278-T-C. GRCh37 (hg19) VCF-style: chr2-69586410-T-C.
Other names: c.398A>G, p.Lys133Arg (NM_002056.4); short protein forms K133R.
Identifiers: ClinVar variation 2444328 (VCV002444328.1), dbSNP rs1458049542, ClinGen allele CA347132484.

ClinVar aggregate classification (germline): Likely pathogenic (1 of 4 stars; one submission).

Conditions:
Congenital myasthenic syndrome 12 (CMS12). Also called: MYASTHENIC SYNDROME, CONGENITAL, WITH TUBULAR AGGREGATES 1; Myasthenia, congenital, 12, with tubular aggregates. Identifiers: Orphanet 353327, Orphanet 590, MedGen C3552335, MONDO:0012518, OMIM 610542.

Allele frequency attached by ClinVar (database versions not stated): gnomAD exomes 0.00001; TOPMed 0.00001.

Submission:

3billion
Classification: Likely pathogenic for Congenital myasthenic syndrome 12. Last evaluated: 2023-02-23. Review status: criteria provided, single submitter. Criteria: ACMG Guidelines, 2015. Collection method: clinical testing. Allele origin: unknown. Affected: yes.
Comment: The variant is observed at an extremely low frequency in the gnomAD v2.1.1 dataset (total allele frequency: <0.001%). Missense changes are a common disease-causing mechanism. In silico tool predictions suggest damaging effect of the variant on gene or gene product (REVEL: 0.08; 3Cnet: 0.68). Therefore, this variant is classified as VUS according to the recommendation of ACMG/AMP guideline.